The following is an entry in ClinVar:

ClinVar aggregate classification (germline): Uncertain significance (1 of 4 stars; one submission).

Allele frequency attached by ClinVar (database versions not stated): gnomAD exomes below 0.00001; TOPMed below 0.00001; ExAC 0.00001.

Submission:

Labcorp Genetics (formerly Invitae), Labcorp
Classification: Uncertain significance. Last evaluated: 2022-12-20. Review status: criteria provided, single submitter. Criteria: Invitae Variant Classification Sherloc (09022015). Collection method: clinical testing. Allele origin: germline.
Comment: Algorithms developed to predict the effect of missense changes on protein structure and function output the following: SIFT: "Tolerated"; PolyPhen-2: "Benign"; Align-GVGD: "Class C0". The asparagine amino acid residue is found in multiple mammalian species, which suggests that this missense change does not adversely affect protein function. This variant has not been reported in the literature in individuals affected with NR3C2-related conditions. This variant is present in population databases (rs769938082, gnomAD 0.003%). This sequence change replaces aspartic acid, which is acidic and polar, with asparagine, which is neutral and polar, at codon 38 of the NR3C2 protein (p.Asp38Asn). In summary, the available evidence is currently insufficient to determine the role of this variant in disease. Therefore, it has been classified as a Variant of Uncertain Significance.

NM_000901.5(NR3C2):c.112G>A (p.Asp38Asn)

Gene: NR3C2 (nuclear receptor subfamily 3 group C member 2; minus strand). Cytogenetic location: 4q31.23.
Variant type: single nucleotide variant.
Coding change: c.112G>A on transcript NM_000901.5 (MANE Select); coding-DNA position 112, G replaced by A.
Protein change: p.Asp38Asn; replaces aspartic acid 38 with asparagine.
Molecular consequence: missense variant. On other transcripts: non-coding transcript variant (1).
Genome position (GRCh38, 1-based): chr4:148,436,749, C>T on the plus strand (G>A on the coding strand, the complement: NR3C2 is on the minus strand). VCF-style: chr4-148436749-C-T. GRCh37 (hg19) VCF-style: chr4-149357901-C-T.
Other names: c.112G>A, p.Asp38Asn (NM_001166104.2, NM_001354819.1); short protein forms D38N.
Identifiers: ClinVar variation 2907491 (VCV002907491.3), dbSNP rs769938082, ClinGen allele CA3100509.
Genomic context (GRCh38, chr4:148,436,749, plus strand): 5'-TGTTTGGAATAGCACCGGAAACACAGCTTACGTTGACAATCTCCATGTAGTTATTCTCAT[C>T]GGTCCTCTCTGTAGGTCCCAGGGAAGAACGCTCCACAGCCTGAGAAACTTGACCCCACCG-3'
Protein context (NP_000892.2, residues 28-48): RSSLGPTERT[Asp38Asn]ENNYMEIVNV